The following is an entry in ClinVar:

ClinVar aggregate classification (germline): Pathogenic (1 of 4 stars; one submission).

Conditions:
Cohen syndrome (COH1). Also called: Cutis verticis gyrata, retinitis pigmentosa, and sensorineural deafness; PEPPER SYNDROME. Identifiers: Orphanet 193, MedGen C0265223, MONDO:0008999, OMIM 216550.

Submission:

Labcorp Genetics (formerly Invitae), Labcorp
Classification: Pathogenic for Cohen syndrome. Last evaluated: 2023-03-27. Review status: criteria provided, single submitter. Criteria: Invitae Variant Classification Sherloc (09022015). Collection method: clinical testing. Allele origin: unknown.
Comment: For these reasons, this variant has been classified as Pathogenic. This variant has not been reported in the literature in individuals affected with VPS13B-related conditions. This variant is a gross deletion of the genomic region encompassing exon(s) 32-36 of the VPS13B gene. This deletion is out-of-frame, and is expected to create a premature termination codon and result in an absent or disrupted protein product. Loss-of-function variants in VPS13B are known to be pathogenic (PMID: 15141358, 16648375, 20461111).

Literature cited by the submitters: PubMed 15141358; PubMed 16648375; PubMed 20461111.

NC_000008.10:g.(?_100587866)_(100712180_?)del

Gene: VPS13B (vacuolar protein sorting 13 homolog B; plus strand). Cytogenetic location: 8q22.2.
Variant type: Deletion.
Identifiers: ClinVar variation 3245454 (VCV003245454.1).